The following is an entry in ClinVar:

NM_030957.4(ADAMTS10):c.448G>A (p.Val150Met)

Gene: ADAMTS10 (ADAM metallopeptidase with thrombospondin type 1 motif 10; minus strand). Cytogenetic location: 19p13.2.
Variant type: single nucleotide variant.
Coding change: c.448G>A on transcript NM_030957.4 (MANE Select); coding-DNA position 448, G replaced by A.
Protein change: p.Val150Met; replaces valine 150 with methionine.
Molecular consequence: missense variant.
Genome position (GRCh38, 1-based): chr19:8,603,872, C>T on the plus strand (G>A on the coding strand, the complement: ADAMTS10 is on the minus strand). VCF-style: chr19-8603872-C-T. GRCh37 (hg19) VCF-style: chr19-8668756-C-T.
Other names: short protein forms V150M.
Identifiers: ClinVar variation 1055037 (VCV001055037.6), dbSNP rs146637359, ClinGen allele CA9160825.

ClinVar aggregate classification (germline): Uncertain significance (1 of 4 stars; one submission).

Allele frequency attached by ClinVar (database versions not stated): ExAC 0.00001; gnomAD 0.00001; gnomAD exomes 0.00001 and 0.00002; TOPMed 0.00001; ESP Exome Variant Server 0.00008.
gnomAD v4.1: 35 of 1,611,380 alleles (0.0022%); highest among the groups gnomAD compares: Non-Finnish European, 0.0028%; no homozygotes.

Submission:

Labcorp Genetics (formerly Invitae), Labcorp
Classification: Uncertain significance. Last evaluated: 2021-09-01. Review status: criteria provided, single submitter. Criteria: Invitae Variant Classification Sherloc (09022015). Collection method: clinical testing. Allele origin: germline.
Comment: This sequence change replaces valine with methionine at codon 150 of the ADAMTS10 protein (p.Val150Met). The valine residue is highly conserved and there is a small physicochemical difference between valine and methionine. This variant is present in population databases (rs146637359, ExAC 0.002%). This variant has not been reported in the literature in individuals affected with ADAMTS10-related conditions. Algorithms developed to predict the effect of missense changes on protein structure and function are either unavailable or do not agree on the potential impact of this missense change (SIFT: "Deleterious"; PolyPhen-2: "Probably Damaging"; Align-GVGD: "Class C0"). In summary, the available evidence is currently insufficient to determine the role of this variant in disease. Therefore, it has been classified as a Variant of Uncertain Significance.